The following is an entry in ClinVar:

ClinVar aggregate classification (germline): Benign/Likely benign. Review status: criteria provided, multiple submitters, no conflicts (2 of 4 stars). 3 submissions from 3 submitters: Benign (2); Likely benign (1). Last evaluated 2026-07-01.

Allele frequency attached by ClinVar (database versions not stated): ESP Exome Variant Server 0.00008; gnomAD 0.00011 and 0.00013; TOPMed 0.00015; 1000 Genomes Project 30x 0.00016; gnomAD exomes 0.00019 and 0.00030; 1000 Genomes Project 0.00020; ExAC 0.00031.
gnomAD v4.1: 311 of 1,612,546 alleles (0.019%); highest among the groups gnomAD compares: South Asian, 0.12%; 3 homozygotes.

Submissions (3):

CeGaT Center for Human Genetics Tuebingen
Classification: Benign. Last evaluated: 2026-07-01. Review status: criteria provided, single submitter. Criteria: CeGaT Center For Human Genetics Tuebingen Variant Classification Criteria Version 2. Collection method: clinical testing. Allele origin: germline. Affected: yes. Observed: 2 variant alleles.
Comment: NSD2: BS1, BS2

Labcorp Genetics (formerly Invitae), Labcorp
Classification: Benign. Last evaluated: 2025-08-12. Review status: criteria provided, single submitter. Criteria: Invitae Variant Classification Sherloc (09022015). Collection method: clinical testing. Allele origin: germline.

Laboratory of Genetics, Children's Clinical University Hospital Latvia
Classification: Likely benign. Last evaluated: 2025-02-16. Review status: criteria provided, single submitter. Criteria: ACMG Guidelines, 2015. Collection method: clinical testing. Allele origin: germline. Affected: yes.

NM_001042424.3(NSD2):c.3992C>T (p.Ala1331Val)

Gene: NSD2 (nuclear receptor binding SET domain protein 2; plus strand). Cytogenetic location: 4p16.3.
Variant type: single nucleotide variant.
Coding change: c.3992C>T on transcript NM_001042424.3 (MANE Select); coding-DNA position 3992, C replaced by T.
Protein change: p.Ala1331Val; replaces alanine 1331 with valine.
Molecular consequence: missense variant.
Genome position (GRCh38, 1-based): chr4:1,978,803, C>T. VCF-style: chr4-1978803-C-T. GRCh37 (hg19) VCF-style: chr4-1980530-C-T.
Other names: c.3992C>T, p.Ala1331Val (NM_133330.3, NM_133331.3, NM_133335.4); short protein forms A1331V.
Identifiers: ClinVar variation 1680225 (VCV001680225.15), dbSNP rs200615147, ClinGen allele CA2812926.